The following is an entry in ClinVar:

NM_000541.5(SAG):c.649-2A>C

Gene: SAG (S-antigen visual arrestin; plus strand). Cytogenetic location: 2q37.1.
Variant type: single nucleotide variant.
Coding change: c.649-2A>C on transcript NM_000541.5 (MANE Select); the canonical splice acceptor site of the intron before coding-DNA position 649, A replaced by C.
Molecular consequence: splice acceptor variant.
Genome position (GRCh38, 1-based): chr2:233,329,491, A>C. VCF-style: chr2-233329491-A-C. GRCh37 (hg19) VCF-style: chr2-234238137-A-C.
Identifiers: ClinVar variation 2811567 (VCV002811567.3), dbSNP rs1202027636, ClinGen allele CA351047768.

ClinVar aggregate classification (germline): Likely pathogenic (1 of 4 stars; one submission).

Allele frequency attached by ClinVar (database versions not stated): TOPMed below 0.00001; gnomAD 0.00001.
gnomAD v4.1: 1 of 1,603,868 alleles (0.000062%); highest among the groups gnomAD compares: Non-Finnish European, 0.000085%; no homozygotes.

Submission:

Labcorp Genetics (formerly Invitae), Labcorp
Classification: Likely pathogenic. Last evaluated: 2022-12-07. Review status: criteria provided, single submitter. Criteria: Invitae Variant Classification Sherloc (09022015). Collection method: clinical testing. Allele origin: germline.
Comment: In summary, the currently available evidence indicates that the variant is pathogenic, but additional data are needed to prove that conclusively. Therefore, this variant has been classified as Likely Pathogenic. Algorithms developed to predict the effect of sequence changes on RNA splicing suggest that this variant may disrupt the consensus splice site. Disruption of this splice site has been observed in individual(s) with autosomal recessive Oguchi disease (PMID: 35549688). This variant is present in population databases (no rsID available, gnomAD 0.007%). This sequence change affects an acceptor splice site in intron 8 of the SAG gene. It is expected to disrupt RNA splicing. Variants that disrupt the donor or acceptor splice site typically lead to a loss of protein function (PMID: 16199547), and loss-of-function variants in SAG are known to be pathogenic (PMID: 9452120, 15234147, 22665972).

Literature cited by the submitters: PubMed 35549688; PubMed 16199547; PubMed 9452120; PubMed 15234147; PubMed 22665972.